The following is an entry in ClinVar:

NM_022081.6(HPS4):c.1085T>A (p.Phe362Tyr)

Gene: HPS4 (HPS4 biogenesis of lysosomal organelles complex 3 subunit 2; minus strand). Cytogenetic location: 22q12.1.
Variant type: single nucleotide variant.
Coding change: c.1085T>A on transcript NM_022081.6 (MANE Select); coding-DNA position 1085, T replaced by A.
Protein change: p.Phe362Tyr; replaces phenylalanine 362 with tyrosine.
Molecular consequence: missense variant. On other transcripts: non-coding transcript variant (8).
Genome position (GRCh38, 1-based): chr22:26,464,545, A>T on the plus strand (T>A on the coding strand, the complement: HPS4 is on the minus strand). VCF-style: chr22-26464545-A-T. GRCh37 (hg19) VCF-style: chr22-26860511-A-T.
Other names: c.1085T>A, p.Phe362Tyr (NM_001349896.1, NM_001349898.2, NM_001349899.2 and 5 more transcripts); c.1139T>A, p.Phe380Tyr (NM_001349900.2, NM_001349901.1); c.1070T>A, p.Phe357Tyr (NM_152841.2); short protein forms F357Y, F362Y, F380Y.
Identifiers: ClinVar variation 3004894 (VCV003004894.3), dbSNP rs2518217232, ClinGen allele CA411028084.

ClinVar aggregate classification (germline): Uncertain significance (1 of 4 stars; one submission).

Allele frequency attached by ClinVar (database versions not stated): gnomAD exomes below 0.00001.
gnomAD v4.1: 1 of 1,614,198 alleles (0.000062%); highest among the groups gnomAD compares: Non-Finnish European, 0.000085%; no homozygotes.

Submission:

Labcorp Genetics (formerly Invitae), Labcorp
Classification: Uncertain significance. Last evaluated: 2024-12-09. Review status: criteria provided, single submitter. Criteria: Invitae Variant Classification Sherloc (09022015). Collection method: clinical testing. Allele origin: germline.
Comment: This sequence change replaces phenylalanine, which is neutral and non-polar, with tyrosine, which is neutral and polar, at codon 362 of the HPS4 protein (p.Phe362Tyr). This variant is not present in population databases (gnomAD no frequency). This variant has not been reported in the literature in individuals affected with HPS4-related conditions. ClinVar contains an entry for this variant (Variation ID: 3004894). An algorithm developed to predict the effect of missense changes on protein structure and function (PolyPhen-2) suggests that this variant is likely to be tolerated. In summary, the available evidence is currently insufficient to determine the role of this variant in disease. Therefore, it has been classified as a Variant of Uncertain Significance.